The following is an entry in ClinVar:

ClinVar aggregate classification (germline): Benign/Likely benign. Review status: criteria provided, multiple submitters, no conflicts (2 of 4 stars). 4 submissions from 4 submitters: Benign (1); Likely benign (3). Last evaluated 2024-11-14.

Conditions:
Autosomal recessive nonsyndromic hearing loss 97. Also called: Deafness, autosomal recessive 97. Identifiers: Orphanet 90636, MedGen C4084709, MONDO:0014739, OMIM 616705.
Osteofibrous dysplasia (OSFD). Also called: Tibia, bowing of, with pseudarthrosis and pectus excavatum. Identifiers: Orphanet 488265, MedGen C4085248, MONDO:0011806, OMIM 607278.
Arthrogryposis, distal, IIa 11. Also called: Arthrogryposis, distal, type 11. Identifiers: MedGen C5774205, MONDO:0031045, OMIM 620019.
Papillary renal cell carcinoma type 1 (RCCP1). Also called: RENAL CELL CARCINOMA, PAPILLARY, 1, SOMATIC; Renal adenocarcinoma; Renal cell carcinoma 1; Renal cell carcinoma, somatic. Identifiers: Orphanet 47044, MedGen C1336839, OMIM 605074, HP:0011797.
Hepatocellular carcinoma (HCC). Also called: Primary carcinoma of liver; HEPATOMA; LIVER CELL CARCINOMA. Identifiers: Orphanet 88673, MedGen C2239176, MONDO:0007256, OMIM 114550, HP:0001402.
Hereditary cancer-predisposing syndrome. Also called: Hereditary neoplastic syndrome; Neoplastic Syndromes, Hereditary; Tumor predisposition; Hereditary Cancer Syndrome. Identifiers: Orphanet 140162, MedGen C0027672, MeSH D009386, MONDO:0015356.
Renal cell carcinoma. Identifiers: Orphanet 217071, MedGen C0007134, MeSH D002292, MONDO:0005086, HP:0005584.

gnomAD v4.1: 2 of 1,614,204 alleles (0.00012%); highest among the groups gnomAD compares: South Asian, 0.0011%; no homozygotes.

Submissions (4):

Myriad Genetics, Inc.
Classification: Benign for Papillary renal cell carcinoma type 1. Last evaluated: 2024-11-14. Review status: criteria provided, single submitter. Criteria: Myriad Autosomal Dominant, Autosomal Recessive and X-Linked Classification Criteria (2023). Collection method: clinical testing. Allele origin: unknown.
Comment: This variant is considered benign. This variant is a silent/synonymous amino acid change and it is not expected to impact splicing.

Ambry Genetics
Classification: Likely benign for Hereditary cancer-predisposing syndrome. Last evaluated: 2023-03-24. Review status: criteria provided, single submitter. Criteria: Ambry Variant Classification Scheme 2023. Collection method: clinical testing. Allele origin: germline.

Department of Pathology and Laboratory Medicine, Sinai Health System
Classification: Likely benign for Hepatocellular carcinoma; Papillary renal cell carcinoma type 1; Osteofibrous dysplasia; Autosomal recessive nonsyndromic hearing loss 97; Arthrogryposis, distal, IIa 11. Last evaluated: 2023-03-17. Review status: criteria provided, single submitter. Criteria: ACMG Guidelines, 2015. Collection method: clinical testing. Allele origin: germline. Affected: yes.

Labcorp Genetics (formerly Invitae), Labcorp
Classification: Likely benign for Renal cell carcinoma. Last evaluated: 2021-12-09. Review status: criteria provided, single submitter. Criteria: Invitae Variant Classification Sherloc (09022015). Collection method: clinical testing. Allele origin: germline.

NM_000245.4(MET):c.3945A>T (p.Val1315=)

Gene: MET (MET proto-oncogene, receptor tyrosine kinase; plus strand). Cytogenetic location: 7q31.2.
Variant type: single nucleotide variant.
Coding change: c.3945A>T on transcript NM_000245.4 (MANE Select); coding-DNA position 3945, A replaced by T.
Protein change: p.Val1315=; no amino-acid change (valine 1315 retained).
Molecular consequence: synonymous variant.
Genome position (GRCh38, 1-based): chr7:116,795,896, A>T. VCF-style: chr7-116795896-A-T. GRCh37 (hg19) VCF-style: chr7-116435950-A-T.
Other names: c.3999A>T (LRG_662t1); c.3999A>T, p.Val1333= (NM_001127500.3); c.2655A>T, p.Val885= (NM_001324402.2).
Identifiers: ClinVar variation 246644 (VCV000246644.14), dbSNP rs879254340, ClinGen allele CA10584671.
Genomic context (GRCh38, chr7:116,795,896, plus strand): 5'-AATGCCTGCCTTCAAAGGGTCTCTTACAGCATGTCTTTCTTTTTGGAACAGATATGAAGT[A>T]ATGCTAAAATGCTGGCACCCTAAAGCCGAAATGCGCCCATCCTTTTCTGAACTGGTGTCC-3'
Protein context (NP_000236.2, residues 1305-1325): PEYCPDPLYE[Val1315=]MLKCWHPKAE